The following is an entry in ClinVar:

NM_003334.4(UBA1):c.2928C>T (p.Leu976=)

Gene: UBA1 (ubiquitin like modifier activating enzyme 1; plus strand). Cytogenetic location: Xp11.3.
Variant type: single nucleotide variant.
Coding change: c.2928C>T on transcript NM_003334.4 (MANE Select); coding-DNA position 2928, C replaced by T.
Protein change: p.Leu976=; no amino-acid change (leucine 976 retained).
Molecular consequence: synonymous variant.
Genome position (GRCh38, 1-based): chrX:47,214,416, C>T. VCF-style: chrX-47214416-C-T. GRCh37 (hg19) VCF-style: chrX-47073815-C-T.
Other names: c.2928C>T, p.Leu976= (NM_153280.3).
Identifiers: ClinVar variation 368348 (VCV000368348.14), dbSNP rs782070102, ClinGen allele CA10396224.

ClinVar aggregate classification (germline): Benign/Likely benign. Review status: criteria provided, multiple submitters, no conflicts (2 of 4 stars). 3 submissions from 3 submitters: Benign (2); Likely benign (1). Last evaluated 2024-10-07.

Conditions:
Inborn genetic diseases. Identifiers: MedGen C0950123, MeSH D030342.
Infantile-onset X-linked spinal muscular atrophy. Also called: SPINAL MUSCULAR ATROPHY, X-LINKED LETHAL INFANTILE; Spinal muscular atrophy, X-linked 2; Spinal Muscular Atrophy, X-Linked Infantile; AMC, DISTAL, X-LINKED; ARTHROGRYPOSIS, X-LINKED, TYPE I. Identifiers: Orphanet 1145, MedGen C1844934, MONDO:0010532, OMIM 301830.

Allele frequency attached by ClinVar (database versions not stated): gnomAD 0.00002; TOPMed 0.00002; gnomAD exomes 0.00003 and 0.00005; ExAC 0.00005.
gnomAD v4.1: 60 of 1,208,433 alleles (0.005%); highest among the groups gnomAD compares: East Asian, 0.12%; no homozygotes.

Submissions (3):

Labcorp Genetics (formerly Invitae), Labcorp
Classification: Benign for Infantile-onset X-linked spinal muscular atrophy. Last evaluated: 2024-10-07. Review status: criteria provided, single submitter. Criteria: Invitae Variant Classification Sherloc (09022015). Collection method: clinical testing. Allele origin: germline.

Ambry Genetics
Classification: Likely benign for Inborn genetic diseases. Last evaluated: 2019-07-11. Review status: criteria provided, single submitter. Criteria: Ambry Variant Classification Scheme 2023. Collection method: clinical testing. Allele origin: germline.

Illumina Laboratory Services, Illumina
Classification: Benign for Infantile-onset X-linked spinal muscular atrophy. Last evaluated: 2018-01-12. Review status: criteria provided, single submitter. Criteria: ICSL Variant Classification Criteria 13 December 2019. Collection method: clinical testing. Allele origin: germline.
Comment: This variant was observed in the ICSL laboratory as part of a predisposition screen in an ostensibly healthy population. It had not been previously curated by ICSL or reported in the Human Gene Mutation Database (HGMD: prior to June 1st, 2018), and was therefore a candidate for classification through an automated scoring system. Utilizing variant allele frequency, disease prevalence and penetrance estimates, and inheritance mode, an automated score was calculated to assess if this variant is too frequent to cause the disease. Based on the score and internal cut-off values, a variant classified as benign is not then subjected to further curation. The score for this variant resulted in a classification of benign for this disease.